The following is an entry in ClinVar:

NM_001363711.2(DUOX2):c.790del (p.Leu264fs)

Gene: DUOX2 (dual oxidase 2; minus strand). Cytogenetic location: 15q21.1.
Variant type: Deletion.
Coding change: c.790del on transcript NM_001363711.2 (MANE Select); coding-DNA position 790, one base deleted (C; older notation c.790delC).
Protein change: p.Leu264fs; shifts the reading frame from leucine 264.
Molecular consequence: frameshift variant.
Genome position (GRCh38, 1-based): chr15:45,111,203, G deleted on the plus strand (C on the coding strand, the reverse complement: DUOX2 is on the minus strand); the first of 2 consecutive G bases (chr15:45,111,203-45,111,204); deleting either gives the same sequence. VCF-style (leftmost placement, unchanged base first): chr15-45111202-AG-A. GRCh37 (hg19) VCF-style: chr15-45403400-AG-A.
Other names: c.790del, p.Leu264fs (NM_014080.5); short protein forms L264fs.
Identifiers: ClinVar variation 1687299 (VCV001687299.1), dbSNP rs1894386318, ClinGen allele CA2173938355.
Genomic context (GRCh38, chr15:45,111,202, plus strand): 5'-TGCTGGAACAGCTCCTCGTCCTCCCAGTCTGGGTGCTGGCGGGCCAGCCTCTGCGCCCAC[AG>A]GTTGTGGTAGCGGAACCAGAGCAGGCCCAGCGCCTGCAGGAAGGGTTCCCGGTTCCCTCT-3'

ClinVar aggregate classification (germline): Pathogenic (1 of 4 stars; one submission).

Conditions:
Thyroid dyshormonogenesis 6 (TDH6). Also called: HYPOTHYROIDISM, CONGENITAL, DUE TO DYSHORMONOGENESIS, 6; Genetic transient congenital hypothyroidism; THYROID HORMONOGENESIS, GENETIC DEFECT IN, 6. Identifiers: Orphanet 226316, Orphanet 95716, MedGen C1846632, MONDO:0011792, OMIM 607200.

Submission:

3billion
Classification: Pathogenic for Thyroid dyshormonogenesis 6. Last evaluated: 2022-05-22. Review status: criteria provided, single submitter. Criteria: ACMG Guidelines, 2015. Collection method: clinical testing. Allele origin: germline. Affected: yes. Observed: 1 heterozygote.
Comment: The variant is not observed in the gnomAD v2.1.1 dataset. Frameshift: predicted to result in a loss or disruption of normal protein function through nonsense-mediated decay (NMD) or protein truncation. Multiple pathogenic variants are reported downstream of the variant. The variant has been reported to be associated with DUOX2 related disorder (PMID: 28666341). Therefore, this variant is classified as pathogenic according to the recommendation of ACMG/AMP guideline.

Literature cited by the submitters: PubMed 28666341.